The following is an entry in ClinVar:

NM_018896.5(CACNA1G):c.3084C>T (p.His1028=)

Gene: CACNA1G (calcium voltage-gated channel subunit alpha1 G; plus strand). Cytogenetic location: 17q21.33.
Variant type: single nucleotide variant.
Coding change: c.3084C>T on transcript NM_018896.5 (MANE Select); coding-DNA position 3084, C replaced by T.
Protein change: p.His1028=; no amino-acid change (histidine 1028 retained).
Molecular consequence: synonymous variant. On other transcripts: non-coding transcript variant (5).
Genome position (GRCh38, 1-based): chr17:50,596,749, C>T. VCF-style: chr17-50596749-C-T. GRCh37 (hg19) VCF-style: chr17-48674110-C-T.
Other names: c.3084C>T, p.His1028= (NM_001256324.2, NM_001256325.2, NM_001256326.2 and 16 more transcripts); c.3015C>T, p.His1005= (NM_001256332.2, NM_198376.3, NM_198379.3 and 5 more transcripts).
Identifiers: ClinVar variation 790180 (VCV000790180.36), dbSNP rs61741117, ClinGen allele CA8652628.

ClinVar aggregate classification (germline): Benign/Likely benign. Review status: criteria provided, multiple submitters, no conflicts (2 of 4 stars). 6 submissions from 6 submitters: Benign (3); Likely benign (2). 1 of the submissions does not count toward it. Last evaluated 2025-09-19.

Conditions:
CACNA1G-related disorder. Also called: CACNA1G-related condition; CACNA1G-related disorders.

Allele frequency attached by ClinVar (database versions not stated): gnomAD exomes 0.00053; ExAC 0.00072; ESP Exome Variant Server 0.00150; gnomAD 0.00190 and 0.00194; TOPMed 0.00216; 1000 Genomes Project 0.00319; 1000 Genomes Project 30x 0.00359.
gnomAD v4.1: 592 of 1,613,430 alleles (0.037%); highest among the groups gnomAD compares: African/African-American, 0.64%; 4 homozygotes.

Submissions (6):

Labcorp Genetics (formerly Invitae), Labcorp
Classification: Benign. Last evaluated: 2025-09-19. Review status: criteria provided, single submitter. Criteria: Invitae Variant Classification Sherloc (09022015). Collection method: clinical testing. Allele origin: germline.

Blueprint Genetics
Classification: Likely benign. Last evaluated: 2024-10-28. Review status: criteria provided, single submitter. Criteria: ACMG Guidelines, 2015. Collection method: clinical testing. Allele origin: germline.

CeGaT Center for Human Genetics Tuebingen
Classification: Likely benign. Last evaluated: 2023-12-01. Review status: criteria provided, single submitter. Criteria: CeGaT Center For Human Genetics Tuebingen Variant Classification Criteria Version 2. Collection method: clinical testing. Allele origin: germline. Affected: yes. Observed: 1 variant allele.
Comment: CACNA1G: BP4, BP7

GeneDx
Classification: Benign. Last evaluated: 2021-04-20. Review status: criteria provided, single submitter. Criteria: GeneDx Variant Classification Process June 2021. Collection method: clinical testing. Allele origin: germline. Affected: yes.

Breakthrough Genomics
Classification: Benign. Review status: criteria provided, single submitter. Criteria: ACMG Guidelines, 2015. Collection method: not provided. Allele origin: germline. Inheritance: Autosomal dominant inheritance. Affected: yes.

PreventionGenetics, part of Exact Sciences
Classification: Likely benign for CACNA1G-related condition. Last evaluated: 2019-03-08. Review status: no assertion criteria provided. Collection method: clinical testing. Allele origin: germline. Not counted in ClinVar's aggregate classification.
Comment: This variant is classified as likely benign based on ACMG/AMP sequence variant interpretation guidelines (Richards et al. 2015 PMID: 25741868, with internal and published modifications).